The following is an entry in ClinVar:

NM_000038.6(APC):c.5293_5296del (p.Leu1765fs)

Gene: APC (APC regulator of Wnt signaling pathway; plus strand). Cytogenetic location: 5q22.2.
Variant type: Deletion.
Coding change: c.5293_5296del on transcript NM_000038.6 (MANE Select); coding-DNA positions 5293 to 5296, 4 bases deleted (TTAG; older notation c.5293_5296delTTAG).
Protein change: p.Leu1765fs; shifts the reading frame from leucine 1765.
Molecular consequence: frameshift variant.
Genome position (GRCh38, 1-based): chr5:112,840,887-112,840,890, TTAG deleted; deleting any 4 consecutive bases within chr5:112,840,885-112,840,890 gives the same sequence; the c. name uses the placement nearest the transcript's 3' end. VCF-style (leftmost placement, unchanged base first): chr5-112840884-CAGTT-C. GRCh37 (hg19) VCF-style: chr5-112176581-CAGTT-C.
Other names: c.5170_5173del, p.Leu1724fs (NM_001354900.2); c.5116_5119del, p.Leu1706fs (NM_001354901.2); c.5020_5023del, p.Leu1674fs (NM_001354902.2); c.4990_4993del, p.Leu1664fs (NM_001354903.2); c.4915_4918del, p.Leu1639fs (NM_001354904.2); c.4813_4816del, p.Leu1605fs (NM_001354905.2); c.4444_4447del, p.Leu1482fs (NM_001354906.2); c.5293_5296del, p.Leu1765fs (NM_001127510.3, NM_001354895.2); and 5 more; short protein forms L1482fs, L1674fs, L1783fs, L1639fs, L1706fs, L1747fs, L1605fs, L1664fs.
Identifiers: ClinVar variation 569926 (VCV000569926.11), dbSNP rs1561599054, ClinGen allele CA891843025.
Genomic context (GRCh38, chr5:112,840,884, plus strand): 5'-AAAAAGATAATGGACCAGGTCCAGCAAGCATCTGCGTCTTCTTCTGCACCCAACAAAAAT[CAGTT>C]AGATGGTAAGAAAAAGAAACCAACTTCACCAGTAAAACCTATACCACAAAATACTGAATA-3'

ClinVar aggregate classification (germline): Pathogenic/Likely pathogenic. Review status: criteria provided, multiple submitters, no conflicts (2 of 4 stars). 2 submissions from 2 submitters: Pathogenic (1); Likely pathogenic (1). Last evaluated 2026-07-23.

Conditions:
Hereditary cancer-predisposing syndrome. Also called: Neoplastic Syndromes, Hereditary; Hereditary Cancer Syndrome; Hereditary neoplastic syndrome; Tumor predisposition. Identifiers: Orphanet 140162, MedGen C0027672, MeSH D009386, MONDO:0015356.
Familial adenomatous polyposis 1 (FAP1). Also called: POLYPOSIS, ADENOMATOUS INTESTINAL; FAMILIAL ADENOMATOUS POLYPOSIS 1, ATTENUATED. Identifiers: MedGen C2713442, MONDO:0021056, OMIM 175100. Disease mechanism: loss of function.

Submissions (2):

Ambry Genetics
Classification: Likely pathogenic for Hereditary cancer-predisposing syndrome. Last evaluated: 2026-07-23. Review status: criteria provided, single submitter. Criteria: Ambry Variant Classification Scheme 2023. Collection method: clinical testing. Allele origin: germline.
Comment: The c.5293_5296delTTAG variant, located in coding exon 15 of the APC gene, results from a deletion of 4 nucleotides at nucleotide positions 5293 to 5296, causing a translational frameshift with a predicted alternate stop codon (p.L1765Mfs*11). This variant occurs at the 3' terminus of the gene, is not expected to trigger nonsense-mediated mRNA decay, and impacts the last 38% of the protein. However, premature stop codons are typically deleterious in nature and a significant portion of the protein is affected (Ambry internal data). This variant is considered to be rare based on population cohorts in the Genome Aggregation Database (gnomAD). Based on the majority of available evidence to date, this variant is likely to be pathogenic.

Labcorp Genetics (formerly Invitae), Labcorp
Classification: Pathogenic for Familial adenomatous polyposis 1. Last evaluated: 2018-03-15. Review status: criteria provided, single submitter. Criteria: Invitae Variant Classification Sherloc (09022015). Collection method: clinical testing. Allele origin: germline.
Comment: For these reasons, this variant has been classified as Pathogenic. This sequence change results in a premature translational stop signal in the APC gene (p.Leu1765Metfs*11). While this is not anticipated to result in nonsense mediated decay, it is expected to disrupt the last 1079 amino acids of the APC protein. This variant is not present in population databases (ExAC no frequency). This variant has not been reported in the literature in individuals with APC-related disease. This variant deletes a portion of the C-terminus of the APC protein, including the Basic Domain, the EB1 Binding Site, and the HDLG Binding Site, which mediate interactions with the cytoskeleton (PMID: 15311282, 17293347). A different truncating variant downstream of this variant, c.7932_7935del (p.Tyr2645Lysfs*14), that only removes the EB1 and HDLG binding sites has been reported in several individuals with familial adenomatous polyposis (FAP) and attenuated FAP (PMID: 1316610, 8381579, 9824584, 22135120). These observations suggest that the C-terminal portion of the protein is clinically important.

Literature cited by the submitters: PubMed 15311282 (cited by Labcorp Genetics (formerly Invitae), Labcorp); PubMed 17293347 (cited by Labcorp Genetics (formerly Invitae), Labcorp); PubMed 1316610 (cited by Labcorp Genetics (formerly Invitae), Labcorp); PubMed 8381579 (cited by Labcorp Genetics (formerly Invitae), Labcorp); PubMed 9824584 (cited by Labcorp Genetics (formerly Invitae), Labcorp); PubMed 22135120 (cited by Labcorp Genetics (formerly Invitae), Labcorp).